The following is an entry in ClinVar:

NM_003839.4(TNFRSF11A):c.140G>A (p.Cys47Tyr)

Gene: TNFRSF11A (TNF receptor superfamily member 11a; plus strand). Cytogenetic location: 18q21.33.
Variant type: single nucleotide variant.
Coding change: c.140G>A on transcript NM_003839.4 (MANE Select); coding-DNA position 140, G replaced by A.
Protein change: p.Cys47Tyr; replaces cysteine 47 with tyrosine.
Molecular consequence: missense variant.
Genome position (GRCh38, 1-based): chr18:62,348,232, G>A. VCF-style: chr18-62348232-G-A. GRCh37 (hg19) VCF-style: chr18-60015465-G-A.
Other names: c.140G>A, p.Cys47Tyr (NM_001270951.2, NM_001278268.2, NM_001270949.2 and 1 more transcripts); short protein forms C47Y.
Identifiers: ClinVar variation 3664407 (VCV003664407.2).

ClinVar aggregate classification (germline): Uncertain significance (1 of 4 stars; one submission).

gnomAD v4.1: 1 of 1,614,138 alleles (0.000062%); highest among the groups gnomAD compares: Non-Finnish European, 0.000085%; no homozygotes.

Submission:

Labcorp Genetics (formerly Invitae), Labcorp
Classification: Uncertain significance. Last evaluated: 2024-09-03. Review status: criteria provided, single submitter. Criteria: Invitae Variant Classification Sherloc (09022015). Collection method: clinical testing. Allele origin: germline.
Comment: This sequence change replaces cysteine, which is neutral and slightly polar, with tyrosine, which is neutral and polar, at codon 47 of the TNFRSF11A protein (p.Cys47Tyr). This variant is not present in population databases (gnomAD no frequency). This variant has not been reported in the literature in individuals affected with TNFRSF11A-related conditions. Invitae Evidence Modeling of protein sequence and biophysical properties (such as structural, functional, and spatial information, amino acid conservation, physicochemical variation, residue mobility, and thermodynamic stability) indicates that this missense variant is expected to disrupt TNFRSF11A protein function with a positive predictive value of 80%. In summary, the available evidence is currently insufficient to determine the role of this variant in disease. Therefore, it has been classified as a Variant of Uncertain Significance.